The following is an entry in ClinVar:

ClinVar aggregate classification (germline): Uncertain significance. Review status: criteria provided, multiple submitters, no conflicts (2 of 4 stars). 3 submissions from 3 submitters: Uncertain significance (3). Last evaluated 2026-01-09.

Conditions:
Cardiomyopathy (CMYO). Also called: Cardiomyopathies. Identifiers: Orphanet 167848, MedGen C0878544, MONDO:0004994, HP:0001638. Inheritance: Various modes of inheritance.
Catecholaminergic polymorphic ventricular tachycardia 1. Also called: VENTRICULAR TACHYCARDIA, CATECHOLAMINERGIC POLYMORPHIC, 1, WITH OR WITHOUT ATRIAL DYSFUNCTION AND/OR DILATED CARDIOMYOPATHY; RYR2-Related Catecholaminergic Polymorphic Ventricular Tachycardia; VENTRICULAR TACHYCARDIA, STRESS-INDUCED POLYMORPHIC 1. Identifiers: Orphanet 3286, MedGen C1631597, MONDO:0011484, OMIM 604772.

gnomAD v4.1: 1 of 1,588,060 alleles (0.000063%); no homozygotes.

Submissions (3):

Labcorp Genetics (formerly Invitae), Labcorp
Classification: Uncertain significance for Catecholaminergic polymorphic ventricular tachycardia 1. Last evaluated: 2026-01-09. Review status: criteria provided, single submitter. Criteria: Invitae Variant Classification Sherloc (09022015). Collection method: clinical testing. Allele origin: germline.
Comment: This sequence change affects an acceptor splice site in intron 77 of the RYR2 gene. It is expected to disrupt RNA splicing. Variants that disrupt the donor or acceptor splice site typically lead to a loss of protein function (PMID: 16199547), however the current clinical and genetic evidence is not sufficient to establish whether loss-of-function variants in RYR2 cause disease. This variant is not present in population databases (gnomAD no frequency). This variant has not been reported in the literature in individuals affected with RYR2-related conditions. ClinVar contains an entry for this variant (Variation ID: 2507258). Algorithms developed to predict the effect of sequence changes on RNA splicing suggest that this variant may disrupt the consensus splice site. In summary, the available evidence is currently insufficient to determine the role of this variant in disease. Therefore, it has been classified as a Variant of Uncertain Significance.

Color Diagnostics, LLC DBA Color Health
Classification: Uncertain significance for Cardiomyopathy. Last evaluated: 2023-04-17. Review status: criteria provided, single submitter. Criteria: ACMG Guidelines, 2015. Collection method: clinical testing. Allele origin: germline.
Comment: This variant causes an A to G nucleotide substitution at the -2 position of intron 77 of the RYR2 gene. Splice site prediction tools predict that this variant may have a significant impact on RNA splicing. To our knowledge, RNA studies have not been reported for this variant. This variant has not been reported in individuals affected with RYR2-related disorders in the literature. This variant has not been identified in the general population by the Genome Aggregation Database (gnomAD). The role of loss-of-function RYR2 truncation and splice variants in autosomal dominant cardiovascular disorders is not clearly established. The available evidence is insufficient to determine the role of this variant in disease conclusively. Therefore, this variant is classified as a Variant of Uncertain Significance.

GeneDx
Classification: Uncertain significance. Last evaluated: 2023-01-03. Review status: criteria provided, single submitter. Criteria: GeneDx Variant Classification Process June 2021. Collection method: clinical testing. Allele origin: germline. Affected: yes.
Comment: Not observed at significant frequency in large population cohorts (gnomAD); Canonical splice site variant in a gene or region of a gene for which loss of function is not a well-established mechanism of disease; Has not been previously published as pathogenic or benign to our knowledge

Literature cited by the submitters: PubMed 16199547 (cited by Labcorp Genetics (formerly Invitae), Labcorp).

NM_001035.3(RYR2):c.10936-2A>G

Gene: RYR2 (ryanodine receptor 2; plus strand). Cytogenetic location: 1q43.
Variant type: single nucleotide variant.
Coding change: c.10936-2A>G on transcript NM_001035.3 (MANE Select); the canonical splice acceptor site of the intron before coding-DNA position 10936, A replaced by G.
Molecular consequence: splice acceptor variant.
Genome position (GRCh38, 1-based): chr1:237,732,044, A>G. VCF-style: chr1-237732044-A-G. GRCh37 (hg19) VCF-style: chr1-237895344-A-G.
Identifiers: ClinVar variation 2507258 (VCV002507258.4), dbSNP rs2527068994, ClinGen allele CA345418874.